The following is an entry in ClinVar:

ClinVar aggregate classification (germline): Pathogenic/Likely pathogenic. Review status: criteria provided, multiple submitters, no conflicts (2 of 4 stars). 2 submissions from 2 submitters: Pathogenic (1); Likely pathogenic (1). Last evaluated 2026-09-25.

Conditions:
FLG-related disorder. Also called: FLG-related condition; FLG-related disorders.

Submissions (2):

GeneDx
Classification: Pathogenic. Last evaluated: 2026-09-25. Review status: criteria provided, single submitter. Criteria: GeneDx Variant Classification Process June 2021. Collection method: clinical testing. Allele origin: germline.
Comment: Frameshift variant predicted to result in abnormal protein length as the last 422 amino acids are replaced with 19 different amino acids, and other similar variants have been reported in HGMD; Has not been previously published as pathogenic or benign to our knowledge; This variant is associated with the following publications: (PMID: 16444271)

Blueprint Genetics
Classification: Likely pathogenic for FLG-related disorders. Last evaluated: 2024-10-10. Review status: criteria provided, single submitter. Criteria: ACMG Guidelines, 2015. Collection method: clinical testing. Allele origin: germline. Affected: yes. Observed: 5 variant alleles.

NM_002016.2(FLG):c.10919_10926del (p.Ser3640fs)

Genes: CCDST (cervical cancer associated DHX9 suppressive transcript; plus strand), FLG (filaggrin; minus strand). Cytogenetic location: 1q21.3.
Variant type: Deletion.
Coding change: c.10919_10926del on transcript NM_002016.2 (MANE Select); coding-DNA positions 10919 to 10926, 8 bases deleted (CAGGCATT; older notation c.10919_10926delCAGGCATT).
Protein change: p.Ser3640fs; shifts the reading frame from serine 3640.
Molecular consequence: frameshift variant.
Genome position (GRCh38, 1-based): chr1:152,303,960-152,303,967, AATGCCTG deleted on the plus strand (CAGGCATT on the coding strand, the reverse complement: FLG is on the minus strand); deleting any 8 consecutive bases within chr1:152,303,960-152,303,968 gives the same sequence; the c. name uses the placement nearest the transcript's 3' end. VCF-style (leftmost placement, unchanged base first): chr1-152303959-CAATGCCTG-C. GRCh37 (hg19) VCF-style: chr1-152276435-CAATGCCTG-C.
Other names: c.10918_10925delTCAGGCAT, p.Ser3640Trpfs (NM_002016.1); short protein forms S3640fs.
Identifiers: ClinVar variation 2662953 (VCV002662953.3), dbSNP rs776014180, ClinGen allele CA1103124.